The following is an entry in ClinVar:

NM_013275.6(ANKRD11):c.3927G>T (p.Thr1309=)

Gene: ANKRD11 (ankyrin repeat domain 11; minus strand). Cytogenetic location: 16q24.3.
Variant type: single nucleotide variant.
Coding change: c.3927G>T on transcript NM_013275.6 (MANE Select); coding-DNA position 3927, G replaced by T.
Protein change: p.Thr1309=; no amino-acid change (threonine 1309 retained).
Molecular consequence: synonymous variant.
Genome position (GRCh38, 1-based): chr16:89,282,615, C>A on the plus strand (G>T on the coding strand, the complement: ANKRD11 is on the minus strand). VCF-style: chr16-89282615-C-A. GRCh37 (hg19) VCF-style: chr16-89349023-C-A.
Other names: c.3927G>T, p.Thr1309= (NM_001256182.2, NM_001256183.2); c.3927G>T (NM_013275.5).
Identifiers: ClinVar variation 4752934 (VCV004752934.2).

ClinVar aggregate classification (germline): Likely benign. Review status: criteria provided, multiple submitters, no conflicts (2 of 4 stars). 2 submissions from 2 submitters: Likely benign (2). Last evaluated 2025-12-29.

Conditions:
KBG syndrome (KBGS). Also called: ANKRD11-Related KBG Syndrome. Identifiers: Orphanet 2332, MedGen C0220687, MONDO:0007846, OMIM 148050.
ANKRD11-related disorder. Also called: ANKRD11-related condition.

gnomAD v4.1: 10 of 1,614,036 alleles (0.00062%); highest among the groups gnomAD compares: Non-Finnish European, 0.00085%; no homozygotes.

Submissions (2):

PreventionGenetics, part of Exact Sciences
Classification: Likely benign for ANKRD11-related condition. Last evaluated: 2025-12-29. Review status: criteria provided, single submitter. Criteria: ACMG Guidelines, 2015. Collection method: clinical testing. Allele origin: germline.
Comment: This variant is classified as likely benign based on ACMG/AMP sequence variant interpretation guidelines (Richards et al. 2015 PMID: 25741868, with internal and published modifications).

Labcorp Genetics (formerly Invitae), Labcorp
Classification: Likely benign for KBG syndrome. Last evaluated: 2025-11-26. Review status: criteria provided, single submitter. Criteria: Invitae Variant Classification Sherloc (09022015). Collection method: clinical testing. Allele origin: germline.